The following is an entry in ClinVar:

ClinVar aggregate classification (germline): Uncertain significance (1 of 4 stars; one submission).

Allele frequency attached by ClinVar (database versions not stated): ESP Exome Variant Server 0.00008; TOPMed below 0.00001; ExAC 0.00001.
gnomAD v4.1: 4 of 1,614,040 alleles (0.00025%); highest among the groups gnomAD compares: Non-Finnish European, 0.00034%; no homozygotes.

Submission:

Labcorp Genetics (formerly Invitae), Labcorp
Classification: Uncertain significance. Last evaluated: 2022-08-06. Review status: criteria provided, single submitter. Criteria: Invitae Variant Classification Sherloc (09022015). Collection method: clinical testing. Allele origin: germline.
Comment: This variant has not been reported in the literature in individuals affected with SLC45A2-related conditions. In summary, the available evidence is currently insufficient to determine the role of this variant in disease. Therefore, it has been classified as a Variant of Uncertain Significance. Algorithms developed to predict the effect of missense changes on protein structure and function output the following: SIFT: "Tolerated"; PolyPhen-2: "Benign"; Align-GVGD: "Class C0". The isoleucine amino acid residue is found in multiple mammalian species, which suggests that this missense change does not adversely affect protein function. This variant is present in population databases (rs375501171, gnomAD 0.0009%). This sequence change replaces valine, which is neutral and non-polar, with isoleucine, which is neutral and non-polar, at codon 126 of the SLC45A2 protein (p.Val126Ile).

NM_016180.5(SLC45A2):c.376G>A (p.Val126Ile)

Gene: SLC45A2 (solute carrier family 45 member 2; minus strand). Cytogenetic location: 5p13.2.
Variant type: single nucleotide variant.
Coding change: c.376G>A on transcript NM_016180.5 (MANE Select); coding-DNA position 376, G replaced by A.
Protein change: p.Val126Ile; replaces valine 126 with isoleucine.
Molecular consequence: missense variant.
Genome position (GRCh38, 1-based): chr5:33,984,208, C>T on the plus strand (G>A on the coding strand, the complement: SLC45A2 is on the minus strand). VCF-style: chr5-33984208-C-T. GRCh37 (hg19) VCF-style: chr5-33984313-C-T.
Other names: c.376G>A, p.Val126Ile (NM_001012509.4, NM_001297417.4); short protein forms V126I.
Identifiers: ClinVar variation 1992519 (VCV001992519.2), dbSNP rs375501171, ClinGen allele CA3225819.